The following is an entry in ClinVar:

NM_144687.4(NLRP12):c.902C>T (p.Pro301Leu)

Gene: NLRP12 (NLR family pyrin domain containing 12; minus strand). Cytogenetic location: 19q13.42.
Variant type: single nucleotide variant.
Coding change: c.902C>T on transcript NM_144687.4 (MANE Select); coding-DNA position 902, C replaced by T.
Protein change: p.Pro301Leu; replaces proline 301 with leucine.
Molecular consequence: missense variant.
Genome position (GRCh38, 1-based): chr19:53,810,757, G>A on the plus strand (C>T on the coding strand, the complement: NLRP12 is on the minus strand). VCF-style: chr19-53810757-G-A. GRCh37 (hg19) VCF-style: chr19-54314011-G-A.
Other names: c.902C>T, p.Pro301Leu (NM_001277126.2, NM_001277129.1); short protein forms P301L.
Identifiers: ClinVar variation 2093603 (VCV002093603.4), dbSNP rs2092057183, ClinGen allele CA407415554.

ClinVar aggregate classification (germline): Uncertain significance (1 of 4 stars; one submission).

Conditions:
Familial cold autoinflammatory syndrome 2 (FCAS2). Identifiers: Orphanet 247868, MedGen C2673198, MONDO:0012724, OMIM 611762.

Allele frequency attached by ClinVar (database versions not stated): gnomAD exomes below 0.00001; TOPMed below 0.00001; gnomAD 0.00001.

Submission:

Labcorp Genetics (formerly Invitae), Labcorp
Classification: Uncertain significance for Familial cold autoinflammatory syndrome 2. Last evaluated: 2025-12-23. Review status: criteria provided, single submitter. Criteria: Invitae Variant Classification Sherloc (09022015). Collection method: clinical testing. Allele origin: germline.
Comment: This sequence change replaces proline, which is neutral and non-polar, with leucine, which is neutral and non-polar, at codon 301 of the NLRP12 protein (p.Pro301Leu). This variant is not present in population databases (gnomAD no frequency). This variant has not been reported in the literature in individuals affected with NLRP12-related conditions. ClinVar contains an entry for this variant (Variation ID: 2093603). Invitae Evidence Modeling of protein sequence and biophysical properties (such as structural, functional, and spatial information, amino acid conservation, physicochemical variation, residue mobility, and thermodynamic stability) indicates that this missense variant is not expected to disrupt NLRP12 protein function with a negative predictive value of 80%. In summary, the available evidence is currently insufficient to determine the role of this variant in disease. Therefore, it has been classified as a Variant of Uncertain Significance.